The following is an entry in ClinVar:

NM_015896.4(ZMYND10):c.999+4G>A

Gene: ZMYND10 (zinc finger MYND-type containing 10; minus strand). Cytogenetic location: 3p21.31.
Variant type: single nucleotide variant.
Coding change: c.999+4G>A on transcript NM_015896.4 (MANE Select); 4 bases into the intron after coding-DNA position 999, G replaced by A.
Molecular consequence: intron variant.
Genome position (GRCh38, 1-based): chr3:50,342,011, C>T on the plus strand (G>A on the coding strand, the complement: ZMYND10 is on the minus strand). VCF-style: chr3-50342011-C-T. GRCh37 (hg19) VCF-style: chr3-50379442-C-T.
Other names: c.984+4G>A (NM_001308379.2).
Identifiers: ClinVar variation 1508614 (VCV001508614.15), dbSNP rs1182770589, ClinGen allele CA543053633.
Genomic context (GRCh38, chr3:50,342,011, plus strand): 5'-AGTGGCAGGAAGGTGCTGGTAAAGTGGGACAGTGGTCCTGAGCAGCTAACTTTCCAGTGC[C>T]TACCTGTTCCAACACCAGGTCCTTCTTAGGAGGCTGGGTTTCAGTTAGGGTCAGATGGGC-3'

ClinVar aggregate classification (germline): Uncertain significance (1 of 4 stars; one submission).

Conditions:
Primary ciliary dyskinesia. Also called: Ciliary dyskinesia. Identifiers: Orphanet 244, MedGen C0008780, MONDO:0016575, HP:0012265.

Allele frequency attached by ClinVar (database versions not stated): gnomAD 0.00001; gnomAD exomes 0.00001.
gnomAD v4.1: 6 of 1,614,130 alleles (0.00037%); highest among the groups gnomAD compares: Non-Finnish European, 0.00051%; no homozygotes.

Submission:

Labcorp Genetics (formerly Invitae), Labcorp
Classification: Uncertain significance for Primary ciliary dyskinesia. Last evaluated: 2023-11-27. Review status: criteria provided, single submitter. Criteria: Invitae Variant Classification Sherloc (09022015). Collection method: clinical testing. Allele origin: germline.
Comment: This sequence change falls in intron 9 of the ZMYND10 gene. It does not directly change the encoded amino acid sequence of the ZMYND10 protein. It affects a nucleotide within the consensus splice site. This variant is present in population databases (no rsID available, gnomAD 0.002%). This variant has been observed in individual(s) with primary ciliary dyskinesia (PMID: 26824761). ClinVar contains an entry for this variant (Variation ID: 1508614). Variants that disrupt the consensus splice site are a relatively common cause of aberrant splicing (PMID: 17576681, 9536098). Algorithms developed to predict the effect of sequence changes on RNA splicing suggest that this variant is not likely to affect RNA splicing. In summary, the available evidence is currently insufficient to determine the role of this variant in disease. Therefore, it has been classified as a Variant of Uncertain Significance.

Literature cited by the submitters: PubMed 26824761; PubMed 17576681; PubMed 9536098.